The following is an entry in ClinVar:

NM_005475.3(SH2B3):c.298G>C (p.Ala100Pro)

Gene: SH2B3 (SH2B adaptor protein 3; plus strand). Cytogenetic location: 12q24.12.
Variant type: single nucleotide variant.
Coding change: c.298G>C on transcript NM_005475.3 (MANE Select); coding-DNA position 298, G replaced by C.
Protein change: p.Ala100Pro; replaces alanine 100 with proline.
Molecular consequence: missense variant.
Genome position (GRCh38, 1-based): chr12:111,418,443, G>C. VCF-style: chr12-111418443-G-C. GRCh37 (hg19) VCF-style: chr12-111856247-G-C.
Other names: short protein forms A100P.
Identifiers: ClinVar variation 3953419 (VCV003953419.1).

ClinVar aggregate classification (germline): Uncertain significance (1 of 4 stars; one submission).

Conditions:
Inborn genetic diseases. Identifiers: MedGen C0950123, MeSH D030342.

Submission:

Ambry Genetics
Classification: Uncertain significance for Inborn genetic diseases. Last evaluated: 2025-04-03. Review status: criteria provided, single submitter. Criteria: Ambry Variant Classification Scheme 2023. Collection method: clinical testing. Allele origin: germline.
Comment: The p.A100P variant (also known as c.298G>C), located in coding exon 1 of the SH2B3 gene, results from a G to C substitution at nucleotide position 298. The alanine at codon 100 is replaced by proline, an amino acid with highly similar properties. This amino acid position is conserved. In addition, this alteration is predicted to be tolerated by in silico analysis. Based on the available evidence, the clinical significance of this variant remains unclear.